The following is an entry in ClinVar:

ClinVar aggregate classification (germline): Uncertain significance (1 of 4 stars; one submission).

Allele frequency attached by ClinVar (database versions not stated): gnomAD 0.00001; gnomAD exomes 0.00001.
gnomAD v4.1: 7 of 1,613,980 alleles (0.00043%); highest among the groups gnomAD compares: Non-Finnish European, 0.00051%; no homozygotes.

Submission:

Labcorp Genetics (formerly Invitae), Labcorp
Classification: Uncertain significance. Last evaluated: 2025-01-29. Review status: criteria provided, single submitter. Criteria: Invitae Variant Classification Sherloc (09022015). Collection method: clinical testing. Allele origin: germline.
Comment: This sequence change replaces valine, which is neutral and non-polar, with alanine, which is neutral and non-polar, at codon 2213 of the FAT4 protein (p.Val2213Ala). This variant is present in population databases (no rsID available, gnomAD 0.02%). This variant has not been reported in the literature in individuals affected with FAT4-related conditions. ClinVar contains an entry for this variant (Variation ID: 2094051). Invitae Evidence Modeling of protein sequence and biophysical properties (such as structural, functional, and spatial information, amino acid conservation, physicochemical variation, residue mobility, and thermodynamic stability) has been performed for this missense variant. However, the output from this modeling did not meet the statistical confidence thresholds required to predict the impact of this variant on FAT4 protein function. In summary, the available evidence is currently insufficient to determine the role of this variant in disease. Therefore, it has been classified as a Variant of Uncertain Significance.

NM_001291303.3(FAT4):c.6638T>C (p.Val2213Ala)

Gene: FAT4 (FAT atypical cadherin 4; plus strand). Cytogenetic location: 4q28.1.
Variant type: single nucleotide variant.
Coding change: c.6638T>C on transcript NM_001291303.3 (MANE Select); coding-DNA position 6638, T replaced by C.
Protein change: p.Val2213Ala; replaces valine 2213 with alanine.
Molecular consequence: missense variant.
Genome position (GRCh38, 1-based): chr4:125,415,601, T>C. VCF-style: chr4-125415601-T-C. GRCh37 (hg19) VCF-style: chr4-126336756-T-C.
Other names: c.6638T>C, p.Val2213Ala (NM_001291285.3, NM_024582.6); short protein forms V2213A.
Identifiers: ClinVar variation 2094051 (VCV002094051.3), dbSNP rs1201686889, ClinGen allele CA358130231.